The following is an entry in ClinVar:

ClinVar aggregate classification (germline): Uncertain significance (1 of 4 stars; one submission).

Submission:

Labcorp Genetics (formerly Invitae), Labcorp
Classification: Uncertain significance. Last evaluated: 2025-06-16. Review status: criteria provided, single submitter. Criteria: Invitae Variant Classification Sherloc (09022015). Collection method: clinical testing. Allele origin: germline.
Comment: This variant, c.1360_1374del, results in the deletion of 5 amino acid(s) of the KANK2 protein (p.His454_Thr458del), but otherwise preserves the integrity of the reading frame. This variant is present in population databases (no rsID available, gnomAD 0.003%). This variant has not been reported in the literature in individuals affected with KANK2-related conditions. ClinVar contains an entry for this variant (Variation ID: 2197877). Experimental studies and prediction algorithms are not available or were not evaluated, and the functional significance of this variant is currently unknown. In summary, the available evidence is currently insufficient to determine the role of this variant in disease. Therefore, it has been classified as a Variant of Uncertain Significance.

NM_001136191.3(KANK2):c.1360_1374del (p.His454_Thr458del)

Gene: KANK2 (KN motif and ankyrin repeat domains 2; minus strand). Cytogenetic location: 19p13.2.
Variant type: Deletion.
Coding change: c.1360_1374del on transcript NM_001136191.3 (MANE Select); coding-DNA positions 1360 to 1374, 15 bases deleted (CACAGGGAGCCCACC).
Protein change: p.His454_Thr458del.
Molecular consequence: inframe deletion.
Genome position (GRCh38, 1-based): chr19:11,178,596-11,178,610, GGTGGGCTCCCTGTG deleted on the plus strand (CACAGGGAGCCCACC on the coding strand, the reverse complement: KANK2 is on the minus strand); deleting any 15 consecutive bases within chr19:11,178,596-11,178,620 gives the same sequence; the c. name uses the placement nearest the transcript's 3' end. VCF-style (leftmost placement, unchanged base first): chr19-11178595-TGGTGGGCTCCCTGTG-T. GRCh37 (hg19) VCF-style: chr19-11289271-TGGTGGGCTCCCTGTG-T.
Other names: c.1360_1374del, p.His454_Thr458del (NM_001379557.1, NM_001379558.1, NM_001379559.1 and 15 more transcripts).
Identifiers: ClinVar variation 2197877 (VCV002197877.4), dbSNP rs908631390, ClinGen allele CA305341943.